The following is an entry in ClinVar:

ClinVar aggregate classification (germline): Pathogenic (1 of 4 stars; one submission).

Conditions:
Inborn genetic diseases. Identifiers: MedGen C0950123, MeSH D030342.

Submission:

Ambry Genetics
Classification: Pathogenic for Inborn genetic diseases. Last evaluated: 2022-08-08. Review status: criteria provided, single submitter. Criteria: Ambry Variant Classification Scheme 2023. Collection method: clinical testing. Allele origin: germline.
Comment: The c.390dupA (p.F131Ifs*4) alteration, located in exon 3 (coding exon 3) of the KDM5B gene, consists of a duplication of A at position 390, causing a translational frameshift with a predicted alternate stop codon after 4 amino acids. This alteration is expected to result in loss of function by premature protein truncation or nonsense-mediated mRNA decay. Based on the available evidence, this alteration is classified as pathogenic.

NM_006618.5(KDM5B):c.390dup (p.Phe131fs)

Gene: KDM5B (lysine demethylase 5B; minus strand). Cytogenetic location: 1q32.1.
Variant type: Duplication.
Coding change: c.390dup on transcript NM_006618.5 (MANE Select); coding-DNA position 390, one base duplicated (A; older notation c.390dupA).
Protein change: p.Phe131fs; shifts the reading frame from phenylalanine 131.
Molecular consequence: frameshift variant.
Genome position (GRCh38, 1-based): chr1:202,774,628, T duplicated on the plus strand (A on the coding strand, the reverse complement: KDM5B is on the minus strand). VCF-style (leftmost placement, unchanged base first): chr1-202774627-A-AT. GRCh37 (hg19) VCF-style: chr1-202743755-A-AT.
Other names: c.390dup, p.Phe131fs (NM_001314042.2, NM_001347591.2); c.375dup, p.Phe126fs (NM_001399817.1); short protein forms F126fs, F131fs.
Identifiers: ClinVar variation 2299096 (VCV002299096.2), dbSNP rs2527635636, ClinGen allele CA2580061905.
Genomic context (GRCh38, chr1:202,774,627, plus strand): 5'-TGTCAGTAAGATTATAAAATAAGTAAGATGGTCATTAGCTCTTTACCTTATTAAGCTGAA[A>AT]TAAGTCCAAGATCTTCCTCTCCACATGTGGAATTTTCAGAGTACTTCCCTGTAACTCCCA-3'